The following is an entry in ClinVar:

NM_000016.6(ACADM):c.221C>T (p.Pro74Leu)

Gene: ACADM (acyl-CoA dehydrogenase medium chain; plus strand). Cytogenetic location: 1p31.1.
Variant type: single nucleotide variant.
Coding change: c.221C>T on transcript NM_000016.6 (MANE Select); coding-DNA position 221, C replaced by T.
Protein change: p.Pro74Leu; replaces proline 74 with leucine.
Molecular consequence: missense variant. On other transcripts: 5 prime UTR variant (1).
Genome position (GRCh38, 1-based): chr1:75,732,857, C>T. VCF-style: chr1-75732857-C-T. GRCh37 (hg19) VCF-style: chr1-76198542-C-T.
Other names: c.233C>T, p.Pro78Leu (NM_001127328.3); c.113C>T, p.Pro38Leu (NM_001286042.2); c.221C>T, p.Pro74Leu (NM_001286043.2); c.-165C>T (NM_001286044.2); short protein forms P38L, P74L, P78L.
Identifiers: ClinVar variation 967308 (VCV000967308.7), dbSNP rs1647169888, ClinGen allele CA340809742.

ClinVar aggregate classification (germline): Likely pathogenic (1 of 4 stars; one submission).

Conditions:
Medium-chain acyl-coenzyme A dehydrogenase deficiency (ACADMD). Also called: MCADH DEFICIENCY; CARNITINE DEFICIENCY SECONDARY TO MEDIUM-CHAIN ACYL-CoA DEHYDROGENASE DEFICIENCY; MCAD Deficiency; Medium chain acyl-CoA dehydrogenase deficiency; MCADD; ACADM DEFICIENCY. Identifiers: Orphanet 42, MedGen C0220710, MONDO:0008721, OMIM 201450.

Submission:

Labcorp Genetics (formerly Invitae), Labcorp
Classification: Likely pathogenic for Medium-chain acyl-coenzyme A dehydrogenase deficiency. Last evaluated: 2026-01-01. Review status: criteria provided, single submitter. Criteria: Invitae Variant Classification Sherloc (09022015). Collection method: clinical testing. Allele origin: germline.
Comment: This sequence change replaces proline, which is neutral and non-polar, with leucine, which is neutral and non-polar, at codon 74 of the ACADM protein (p.Pro74Leu). This variant is not present in population databases (gnomAD no frequency). This missense change has been observed in individual(s) with medium-chain acyl-coenzyme A dehydrogenase deficiency (internal data). ClinVar contains an entry for this variant (Variation ID: 967308). Invitae Evidence Modeling of protein sequence and biophysical properties (such as structural, functional, and spatial information, amino acid conservation, physicochemical variation, residue mobility, and thermodynamic stability) indicates that this missense variant is expected to disrupt ACADM protein function with a positive predictive value of 80%. In summary, the currently available evidence indicates that the variant is pathogenic, but additional data are needed to prove that conclusively. Therefore, this variant has been classified as Likely Pathogenic.